The following is an entry in ClinVar:

ClinVar aggregate classification (germline): Uncertain significance (1 of 4 stars; one submission).

Allele frequency attached by ClinVar (database versions not stated): gnomAD exomes 0.00001.
gnomAD v4.1: 17 of 1,606,334 alleles (0.0011%); highest among the groups gnomAD compares: Non-Finnish European, 0.0014%; no homozygotes.

Submission:

Labcorp Genetics (formerly Invitae), Labcorp
Classification: Uncertain significance. Last evaluated: 2024-10-17. Review status: criteria provided, single submitter. Criteria: Invitae Variant Classification Sherloc (09022015). Collection method: clinical testing. Allele origin: germline.
Comment: This sequence change replaces arginine, which is basic and polar, with glutamine, which is neutral and polar, at codon 595 of the ZNF408 protein (p.Arg595Gln). This variant is not present in population databases (gnomAD no frequency). This variant has not been reported in the literature in individuals affected with ZNF408-related conditions. ClinVar contains an entry for this variant (Variation ID: 1020372). An algorithm developed to predict the effect of missense changes on protein structure and function (PolyPhen-2) suggests that this variant is likely to be disruptive. In summary, the available evidence is currently insufficient to determine the role of this variant in disease. Therefore, it has been classified as a Variant of Uncertain Significance.

NM_024741.3(ZNF408):c.1784G>A (p.Arg595Gln)

Gene: ZNF408 (zinc finger protein 408; plus strand). Cytogenetic location: 11p11.2.
Variant type: single nucleotide variant.
Coding change: c.1784G>A on transcript NM_024741.3 (MANE Select); coding-DNA position 1784, G replaced by A.
Protein change: p.Arg595Gln; replaces arginine 595 with glutamine.
Molecular consequence: missense variant.
Genome position (GRCh38, 1-based): chr11:46,705,484, G>A. VCF-style: chr11-46705484-G-A. GRCh37 (hg19) VCF-style: chr11-46727034-G-A.
Other names: c.1760G>A, p.Arg587Gln (NM_001184751.2); short protein forms R587Q, R595Q.
Identifiers: ClinVar variation 1020372 (VCV001020372.8), dbSNP rs980142886, ClinGen allele CA221634324.
Genomic context (GRCh38, chr11:46,705,484, plus strand): 5'-GAGAGAGGCCCTTTCCCTGTCCCCAGTGTGGCCGTGCTTACACGCTGGCCACCAAGCTGC[G>A]GCGCCACCTCAAATCTCACTTGGAGGACAAGCCCTACCGCTGCCCCACCTGTGGCATGGG-3'
Protein context (NP_079017.1, residues 585-605): GRAYTLATKL[Arg595Gln]RHLKSHLEDK